The following is an entry in ClinVar:

NM_004655.4(AXIN2):c.1474G>A (p.Ala492Thr)

Gene: AXIN2 (axin 2; minus strand). Cytogenetic location: 17q24.1.
Variant type: single nucleotide variant.
Coding change: c.1474G>A on transcript NM_004655.4 (MANE Select); coding-DNA position 1474, G replaced by A.
Protein change: p.Ala492Thr; replaces alanine 492 with threonine.
Molecular consequence: missense variant.
Genome position (GRCh38, 1-based): chr17:65,537,562, C>T on the plus strand (G>A on the coding strand, the complement: AXIN2 is on the minus strand). VCF-style: chr17-65537562-C-T. GRCh37 (hg19) VCF-style: chr17-63533680-C-T.
Other names: c.1474G>A, p.Ala492Thr (NM_001363813.1); short protein forms A492T.
Identifiers: ClinVar variation 860992 (VCV000860992.11), dbSNP rs1555577797, ClinGen allele CA400677430.

ClinVar aggregate classification (germline): Conflicting classifications of pathogenicity. Review status: criteria provided, conflicting classifications (1 of 4 stars). 2 submissions from 2 submitters: Uncertain significance (1); Likely benign (1). Last evaluated 2025-03-06.

Conditions:
Oligodontia-cancer predisposition syndrome. Also called: TOOTH AGENESIS-COLORECTAL CANCER SYNDROME. Identifiers: Orphanet 300576, MedGen C1837750, MONDO:0012075, OMIM 608615. Disease mechanism: loss of function.
Hereditary cancer-predisposing syndrome. Also called: Tumor predisposition; Hereditary neoplastic syndrome; Neoplastic Syndromes, Hereditary; Hereditary Cancer Syndrome. Identifiers: Orphanet 140162, MedGen C0027672, MeSH D009386, MONDO:0015356.

gnomAD v4.1: 18 of 1,611,290 alleles (0.0011%); highest among the groups gnomAD compares: South Asian, 0.0022%; no homozygotes.

Submissions (2):

Ambry Genetics
Classification: Likely benign for Hereditary cancer-predisposing syndrome. Last evaluated: 2025-03-06. Review status: criteria provided, single submitter. Criteria: Ambry Variant Classification Scheme 2023. Collection method: clinical testing. Allele origin: germline.

Labcorp Genetics (formerly Invitae), Labcorp
Classification: Uncertain significance for Oligodontia-cancer predisposition syndrome. Last evaluated: 2023-12-06. Review status: criteria provided, single submitter. Criteria: Invitae Variant Classification Sherloc (09022015). Collection method: clinical testing. Allele origin: germline.
Comment: This sequence change replaces alanine, which is neutral and non-polar, with threonine, which is neutral and polar, at codon 492 of the AXIN2 protein (p.Ala492Thr). This variant is not present in population databases (gnomAD no frequency). This variant has not been reported in the literature in individuals affected with AXIN2-related conditions. ClinVar contains an entry for this variant (Variation ID: 860992). Algorithms developed to predict the effect of missense changes on protein structure and function output the following: SIFT: "Not Available"; PolyPhen-2: "Benign"; Align-GVGD: "Not Available". The threonine amino acid residue is found in multiple mammalian species, which suggests that this missense change does not adversely affect protein function. In summary, the available evidence is currently insufficient to determine the role of this variant in disease. Therefore, it has been classified as a Variant of Uncertain Significance.